The following is an entry in ClinVar:

ClinVar aggregate classification (germline): Conflicting classifications of pathogenicity. Review status: criteria provided, conflicting classifications (1 of 4 stars). 6 submissions from 6 submitters: Uncertain significance (1); Benign (2); Likely benign (2). 1 of the submissions does not count toward it. Last evaluated 2026-02-01.

Conditions:
DOCK8-related disorder. Also called: DOCK8-related condition.
Combined immunodeficiency due to DOCK8 deficiency (HIES2). Also called: HIES autosomal recessive; Hyper-IgE recurrent infection syndrome, autosomal recessive; DOCK8 Deficiency; HYPER-IgE SYNDROME 2, AUTOSOMAL RECESSIVE, WITH RECURRENT INFECTIONS; HYPER-IgE RECURRENT INFECTION SYNDROME 2, AUTOSOMAL RECESSIVE. Identifiers: Orphanet 217390, MedGen C4722305, MONDO:0009478, OMIM 243700.

Allele frequency attached by ClinVar (database versions not stated): ExAC 0.00062; 1000 Genomes Project 0.00160; 1000 Genomes Project 30x 0.00172; gnomAD 0.00200 and 0.00213; TOPMed 0.00211; ESP Exome Variant Server 0.00238; gnomAD exomes 0.00044.

Submissions (6):

Labcorp Genetics (formerly Invitae), Labcorp
Classification: Benign for Combined immunodeficiency due to DOCK8 deficiency. Last evaluated: 2026-02-01. Review status: criteria provided, single submitter. Criteria: Invitae Variant Classification Sherloc (09022015). Collection method: clinical testing. Allele origin: germline.

Blueprint Genetics
Classification: Likely benign. Last evaluated: 2024-11-15. Review status: criteria provided, single submitter. Criteria: ACMG Guidelines, 2015. Collection method: clinical testing. Allele origin: germline.

Genetic Services Laboratory, University of Chicago
Classification: Benign. Last evaluated: 2021-04-02. Review status: criteria provided, single submitter. Criteria: ACMG Guidelines, 2015. Collection method: clinical testing. Allele origin: germline. Affected: no.

Baylor Genetics
Classification: Uncertain significance for Combined immunodeficiency due to DOCK8 deficiency. Last evaluated: 2018-08-08. Review status: criteria provided, single submitter. Criteria: ACMG Guidelines, 2015. Collection method: clinical testing. Allele origin: unknown. Affected: yes.
Comment: This variant was determined to be of uncertain significance according to ACMG Guidelines, 2015 [PMID:25741868].

GeneDx
Classification: Likely benign. Last evaluated: 2018-07-09. Review status: criteria provided, single submitter. Criteria: GeneDx Variant Classification Process June 2021. Collection method: clinical testing. Allele origin: germline. Affected: yes.

PreventionGenetics, part of Exact Sciences
Classification: Likely benign for DOCK8-related condition. Last evaluated: 2022-05-27. Review status: no assertion criteria provided. Collection method: clinical testing. Allele origin: germline. Not counted in ClinVar's aggregate classification.
Comment: This variant is classified as likely benign based on ACMG/AMP sequence variant interpretation guidelines (Richards et al. 2015 PMID: 25741868, with internal and published modifications).

NM_203447.4(DOCK8):c.1582C>A (p.Leu528Met)

Gene: DOCK8 (dedicator of cytokinesis 8; plus strand). Cytogenetic location: 9p24.3.
Variant type: single nucleotide variant.
Coding change: c.1582C>A on transcript NM_203447.4 (MANE Select); coding-DNA position 1582, C replaced by A.
Protein change: p.Leu528Met; replaces leucine 528 with methionine.
Molecular consequence: missense variant.
Genome position (GRCh38, 1-based): chr9:340,224, C>A. VCF-style: chr9-340224-C-A. GRCh37 (hg19) VCF-style: chr9-340224-C-A.
Other names: c.1378C>A, p.Leu460Met (NM_001190458.2, NM_001193536.2); short protein forms L528M, L460M.
Identifiers: ClinVar variation 377797 (VCV000377797.22), dbSNP rs146250176, ClinGen allele CA4957793.
Genomic context (GRCh38, chr9:340,224, plus strand): 5'-CTAAGACTGGAGATTTCTACAGCTCCAGAGATCATCAATTGCTGTCTGACTCCTGAAATG[C>A]TGCCCGTGAAACCCTTTCCTGAAAACCGGACACGCCCGCACAAAGAGATTTTGGAATTTC-3'
Protein context (NP_982272.2, residues 518-538): IINCCLTPEM[Leu528Met]PVKPFPENRT